The following is an entry in ClinVar:

NM_000535.7(PMS2):c.878A>T (p.Asn293Ile)

Gene: PMS2 (PMS1 homolog 2, mismatch repair system component; minus strand). Cytogenetic location: 7p22.1.
Variant type: single nucleotide variant.
Coding change: c.878A>T on transcript NM_000535.7 (MANE Select); coding-DNA position 878, A replaced by T.
Protein change: p.Asn293Ile; replaces asparagine 293 with isoleucine.
Molecular consequence: missense variant. On other transcripts: 5 prime UTR variant (2), non-coding transcript variant (1), intron variant (4).
Genome position (GRCh38, 1-based): chr7:5,995,559, T>A on the plus strand (A>T on the coding strand, the complement: PMS2 is on the minus strand). VCF-style: chr7-5995559-T-A. GRCh37 (hg19) VCF-style: chr7-6035190-T-A.
Other names: c.473A>T, p.Asn158Ile (NM_001322003.2, NM_001322004.2, NM_001322005.2 and 19 more transcripts); c.878A>T, p.Asn293Ile (NM_001322006.2, NM_001322014.2, NM_001406870.1 and 2 more transcripts); c.560A>T, p.Asn187Ile (NM_001322007.2, NM_001322008.2, NM_001406876.1 and 4 more transcripts); c.-56A>T (NM_001322011.2, NM_001322012.2); c.305A>T, p.Asn102Ile (NM_001322013.2, NM_001406909.1); c.569A>T, p.Asn190Ile (NM_001322015.2, NM_001406875.1, NM_001406877.1 and 6 more transcripts); c.1064A>T, p.Asn355Ile (NM_001406866.1); c.902A>T, p.Asn301Ile (NM_001406868.1); and 8 more; short protein forms N181I, N237I, N301I, N102I, N122I, N158I, N257I, N293I.
Identifiers: ClinVar variation 3890978 (VCV003890978.2).

ClinVar aggregate classification (germline): Uncertain significance. Review status: criteria provided, multiple submitters, no conflicts (2 of 4 stars). 2 submissions from 2 submitters: Uncertain significance (2). Last evaluated 2025-08-24.

Conditions:
Hereditary nonpolyposis colorectal neoplasms. Identifiers: MedGen C0009405, MeSH D003123.
Hereditary cancer-predisposing syndrome. Also called: Tumor predisposition; Neoplastic Syndromes, Hereditary; Hereditary Cancer Syndrome; Hereditary neoplastic syndrome. Identifiers: Orphanet 140162, MedGen C0027672, MeSH D009386, MONDO:0015356.

Submissions (2):

Labcorp Genetics (formerly Invitae), Labcorp
Classification: Uncertain significance for Hereditary nonpolyposis colorectal neoplasms. Last evaluated: 2025-08-24. Review status: criteria provided, single submitter. Criteria: Invitae Variant Classification Sherloc (09022015). Collection method: clinical testing. Allele origin: germline.
Comment: This sequence change replaces asparagine, which is neutral and polar, with isoleucine, which is neutral and non-polar, at codon 293 of the PMS2 protein (p.Asn293Ile). This variant is not present in population databases (gnomAD no frequency). This variant has not been reported in the literature in individuals affected with PMS2-related conditions. ClinVar contains an entry for this variant (Variation ID: 3890978). Invitae Evidence Modeling incorporating data from in vitro experimental studies (internal data) indicates that this missense variant is expected to disrupt PMS2 function with a positive predictive value of 95%. In summary, the available evidence is currently insufficient to determine the role of this variant in disease. Therefore, it has been classified as a Variant of Uncertain Significance.

Ambry Genetics
Classification: Uncertain significance for Hereditary cancer-predisposing syndrome. Last evaluated: 2025-01-06. Review status: criteria provided, single submitter. Criteria: Ambry Variant Classification Scheme 2023. Collection method: clinical testing. Allele origin: germline.
Comment: The p.N293I variant (also known as c.878A>T), located in coding exon 8 of the PMS2 gene, results from an A to T substitution at nucleotide position 878. The asparagine at codon 293 is replaced by isoleucine, an amino acid with dissimilar properties. This amino acid position is conserved. In addition, this alteration is predicted to be deleterious by in silico analysis. Based on the available evidence, the clinical significance of this variant remains unclear.